The following is an entry in ClinVar:

ClinVar aggregate classification (germline): Uncertain significance (1 of 4 stars; one submission).

Conditions:
Blau syndrome (BLAUS). Also called: ARTHROCUTANEOUVEAL GRANULOMATOSIS; GRANULOMATOSIS, FAMILIAL JUVENILE SYSTEMIC; GRANULOMATOSIS, FAMILIAL, BLAU TYPE; GRANULOMATOUS INFLAMMATORY ARTHRITIS, DERMATITIS, AND UVEITIS, FAMILIAL; JABS SYNDROME. Identifiers: Orphanet 90340, MedGen C5201146, MONDO:0008523, OMIM 186580.

Submission:

Neuberg Centre For Genomic Medicine, NCGM
Classification: Uncertain significance for Blau syndrome. Last evaluated: 2023-06-02. Review status: criteria provided, single submitter. Criteria: ACMG Guidelines, 2015. Collection method: clinical testing. Allele origin: germline. Inheritance: Autosomal dominant inheritance. Affected: yes.
Comment: The observed missense c.2865T>G (p.Asn955Lys) variant in NOD2 gene has not been reported previously as a pathogenic variant nor as a benign variant, to our knowledge. The p.Asn955Lys variant is absent in gnomAD Exomes. This variant has not been submitted to the ClinVar database. Multiple lines of computational evidence (Polyphen - Probably Damaging, SIFT - Damaging and MutationTaster - Disease Causing) predict a damaging effect on protein structure and function for this variant. The reference amino acid of p.Asn955Lys in NOD2 is predicted as conserved by GERP++ and PhyloP across 100 vertebrates. The amino acid Asn at position 955 is changed to a Lys changing protein sequence and it might alter its composition and physico-chemical properties. For these reasons, this variant has been classified as a Variant of Uncertain Significance (VUS).

NM_001370466.1(NOD2):c.2865T>G (p.Asn955Lys)

Gene: NOD2 (nucleotide binding oligomerization domain containing 2; plus strand). Cytogenetic location: 16q12.1.
Variant type: single nucleotide variant.
Coding change: c.2865T>G on transcript NM_001370466.1 (MANE Select); coding-DNA position 2865, T replaced by G.
Protein change: p.Asn955Lys; replaces asparagine 955 with lysine.
Molecular consequence: missense variant. On other transcripts: non-coding transcript variant (1).
Genome position (GRCh38, 1-based): chr16:50,725,552, T>G. VCF-style: chr16-50725552-T-G. GRCh37 (hg19) VCF-style: chr16-50759463-T-G.
Other names: c.2865T>G, p.Asn955Lys (NM_001293557.2); c.2946T>G, p.Asn982Lys (NM_022162.3); short protein forms N955K, N982K.
Identifiers: ClinVar variation 3362267 (VCV003362267.3).